The following is an entry in ClinVar:

ClinVar aggregate classification (germline): Likely benign (0 of 4 stars; one submission).

Conditions:
USP15-related disorder. Also called: USP15-related condition.

Allele frequency attached by ClinVar (database versions not stated): gnomAD exomes 0.00019; ExAC 0.00042; ESP Exome Variant Server 0.00123; gnomAD 0.00138; TOPMed 0.00195; 1000 Genomes Project 0.00200; 1000 Genomes Project 30x 0.00234.
gnomAD v4.1: 510 of 1,613,090 alleles (0.032%); highest among the groups gnomAD compares: African/African-American, 0.51%; 3 homozygotes.

Submission:

PreventionGenetics, part of Exact Sciences
Classification: Likely benign for USP15-related condition. Last evaluated: 2019-06-18. Review status: no assertion criteria provided. Collection method: clinical testing. Allele origin: germline.
Comment: This variant is classified as likely benign based on ACMG/AMP sequence variant interpretation guidelines (Richards et al. 2015 PMID: 25741868, with internal and published modifications).

NM_001252078.2(USP15):c.1371A>G (p.Thr457=)

Gene: USP15 (ubiquitin specific peptidase 15; plus strand). Cytogenetic location: 12q14.1.
Variant type: single nucleotide variant.
Coding change: c.1371A>G on transcript NM_001252078.2 (MANE Select); coding-DNA position 1371, A replaced by G.
Protein change: p.Thr457=; no amino-acid change (threonine 457 retained).
Molecular consequence: synonymous variant. On other transcripts: non-coding transcript variant (5).
Genome position (GRCh38, 1-based): chr12:62,384,200, A>G. VCF-style: chr12-62384200-A-G. GRCh37 (hg19) VCF-style: chr12-62777981-A-G.
Other names: c.1008A>G, p.Thr336= (NM_001351159.2); c.624A>G, p.Thr208= (NM_001351160.2); c.372A>G, p.Thr124= (NM_001351163.2, NM_001351164.2, NM_001351165.2 and 1 more transcripts); c.1284A>G, p.Thr428= (NM_006313.3).
Identifiers: ClinVar variation 3033240 (VCV003033240.2), dbSNP rs36011077, ClinGen allele CA6662694.